The following is an entry in ClinVar:

NM_000044.6(AR):c.45G>A (p.Pro15=)

Gene: AR (androgen receptor; plus strand). Cytogenetic location: Xq12.
Variant type: single nucleotide variant.
Coding change: c.45G>A on transcript NM_000044.6 (MANE Select); coding-DNA position 45, G replaced by A.
Protein change: p.Pro15=; no amino-acid change (proline 15 retained).
Molecular consequence: synonymous variant. On other transcripts: 5 prime UTR variant (1).
Genome position (GRCh38, 1-based): chrX:67,545,191, G>A. VCF-style: chrX-67545191-G-A. GRCh37 (hg19) VCF-style: chrX-66765033-G-A.
Other names: c.-1739G>A (NM_001011645.3); c.45G>A, p.Pro15= (NM_001348061.1, NM_001348063.1, NM_001348064.1 and 1 more transcripts); c.45G>A (NM_000044.3).
Identifiers: ClinVar variation 2930877 (VCV002930877.5), dbSNP rs144502467, ClinGen allele CA10436206.
Genomic context (GRCh38, chrX:67,545,191, plus strand): 5'-TCAGCCAAGCTCAAGGATGGAAGTGCAGTTAGGGCTGGGAAGGGTCTACCCTCGGCCGCC[G>A]TCCAAGACCTACCGAGGAGCTTTCCAGAATCTGTTCCAGAGCGTGCGCGAAGTGATCCAG-3'
Protein context (NP_000035.2, residues 5-25): LGLGRVYPRP[Pro15=]SKTYRGAFQN

ClinVar aggregate classification (germline): Benign/Likely benign. Review status: criteria provided, multiple submitters, no conflicts (2 of 4 stars). 3 submissions from 3 submitters: Benign (1); Likely benign (2). Last evaluated 2026-01-25.

Conditions:
AR-related disorder. Also called: AR-related condition.
Androgen resistance syndrome (AIS). Also called: Androgen insensitivity syndrome; Androgen insensitivity, complete; Androgen insensitivity; DHTR DEFICIENCY; TESTICULAR FEMINIZATION SYNDROME; ANDROGEN RECEPTOR DEFICIENCY. Identifiers: Orphanet 754, Orphanet 99429, MedGen C0039585, MONDO:0019154, OMIM 300068. Disease mechanism: loss of function.
Kennedy disease (SMAX1). Also called: Spinal and Bulbar Muscular Atrophy; SPINAL AND BULBAR MUSCULAR ATROPHY, X-LINKED 1; KENNEDY SPINAL AND BULBAR MUSCULAR ATROPHY. Identifiers: Orphanet 481, MedGen C1839259, MONDO:0010735, OMIM 313200.

Allele frequency attached by ClinVar (database versions not stated): ESP Exome Variant Server 0.00009; gnomAD 0.00013; TOPMed 0.00014; gnomAD exomes 0.00036; ExAC 0.00037.
gnomAD v4.1: 410 of 1,204,255 alleles (0.034%); highest among the groups gnomAD compares: South Asian, 0.081%; no homozygotes.

Submissions (3):

PreventionGenetics, part of Exact Sciences
Classification: Likely benign for AR-related condition. Last evaluated: 2026-01-25. Review status: criteria provided, single submitter. Criteria: ACMG Guidelines, 2015. Collection method: clinical testing. Allele origin: germline.
Comment: This variant is classified as likely benign based on ACMG/AMP sequence variant interpretation guidelines (Richards et al. 2015 PMID: 25741868, with internal and published modifications).

Labcorp Genetics (formerly Invitae), Labcorp
Classification: Benign for Kennedy disease; Androgen resistance syndrome. Last evaluated: 2025-08-03. Review status: criteria provided, single submitter. Criteria: Invitae Variant Classification Sherloc (09022015). Collection method: clinical testing. Allele origin: germline.

Blueprint Genetics
Classification: Likely benign. Last evaluated: 2024-11-11. Review status: criteria provided, single submitter. Criteria: ACMG Guidelines, 2015. Collection method: clinical testing. Allele origin: germline.